The following is an entry in ClinVar:

ClinVar aggregate classification (germline): Uncertain significance (1 of 4 stars; one submission).

Conditions:
Long QT syndrome (LQTS). Identifiers: MedGen C0023976, MeSH D008133, MONDO:0002442. Disease mechanism: loss of function. Inheritance: Various modes of inheritance.

Submission:

Labcorp Genetics (formerly Invitae), Labcorp
Classification: Uncertain significance for Long QT syndrome. Last evaluated: 2021-11-07. Review status: criteria provided, single submitter. Criteria: Invitae Variant Classification Sherloc (09022015). Collection method: clinical testing. Allele origin: germline.
Comment: In summary, the available evidence is currently insufficient to determine the role of this variant in disease. Therefore, it has been classified as a Variant of Uncertain Significance. Algorithms developed to predict the effect of missense changes on protein structure and function (SIFT, PolyPhen-2, Align-GVGD) all suggest that this variant is likely to be tolerated. This variant has not been reported in the literature in individuals affected with AKAP9-related conditions. This variant is not present in population databases (gnomAD no frequency). This sequence change replaces glutamic acid, which is acidic and polar, with alanine, which is neutral and non-polar, at codon 322 of the AKAP9 protein (p.Glu322Ala).

NM_005751.5(AKAP9):c.965A>C (p.Glu322Ala)

Gene: AKAP9 (A-kinase anchoring protein 9; plus strand). Cytogenetic location: 7q21.2.
Variant type: single nucleotide variant.
Coding change: c.965A>C on transcript NM_005751.5 (MANE Select); coding-DNA position 965, A replaced by C.
Protein change: p.Glu322Ala; replaces glutamic acid 322 with alanine.
Molecular consequence: missense variant.
Genome position (GRCh38, 1-based): chr7:92,000,882, A>C. VCF-style: chr7-92000882-A-C. GRCh37 (hg19) VCF-style: chr7-91630196-A-C.
Other names: c.965A>C, p.Glu322Ala (NM_147185.3); short protein forms E322A.
Identifiers: ClinVar variation 1391992 (VCV001391992.6), dbSNP rs2130662287, ClinGen allele CA368120690.